The following is an entry in ClinVar:

NM_001017975.6(HFM1):c.1119A>G (p.Leu373=)

Gene: HFM1 (helicase for meiosis 1; minus strand). Cytogenetic location: 1p22.2.
Variant type: single nucleotide variant.
Coding change: c.1119A>G on transcript NM_001017975.6 (MANE Select); coding-DNA position 1119, A replaced by G.
Protein change: p.Leu373=; no amino-acid change (leucine 373 retained).
Molecular consequence: synonymous variant. On other transcripts: non-coding transcript variant (1).
Genome position (GRCh38, 1-based): chr1:91,379,102, T>C on the plus strand (A>G on the coding strand, the complement: HFM1 is on the minus strand). VCF-style: chr1-91379102-T-C. GRCh37 (hg19) VCF-style: chr1-91844659-T-C.
Identifiers: ClinVar variation 4280852 (VCV004280852.7).

ClinVar aggregate classification (germline): Likely benign (1 of 4 stars; one submission).

gnomAD v4.1: 5 of 1,599,020 alleles (0.00031%); highest among the groups gnomAD compares: Non-Finnish European, 0.00034%; no homozygotes.

Submission:

CeGaT Center for Human Genetics Tuebingen
Classification: Likely benign. Last evaluated: 2025-09-01. Review status: criteria provided, single submitter. Criteria: CeGaT Center For Human Genetics Tuebingen Variant Classification Criteria Version 2. Collection method: clinical testing. Allele origin: germline. Affected: yes. Observed: 1 variant allele.
Comment: HFM1: BP4, BP7